The following is an entry in ClinVar:

NM_002618.4(PEX13):c.326G>A (p.Arg109His)

Gene: PEX13 (peroxisomal biogenesis factor 13; plus strand). Cytogenetic location: 2p15.
Variant type: single nucleotide variant.
Coding change: c.326G>A on transcript NM_002618.4 (MANE Select); coding-DNA position 326, G replaced by A.
Protein change: p.Arg109His; replaces arginine 109 with histidine.
Molecular consequence: missense variant.
Genome position (GRCh38, 1-based): chr2:61,031,652, G>A. VCF-style: chr2-61031652-G-A. GRCh37 (hg19) VCF-style: chr2-61258787-G-A.
Other names: short protein forms R109H.
Identifiers: ClinVar variation 1517060 (VCV001517060.3), dbSNP rs372193938, ClinGen allele CA1673279.
Genomic context (GRCh38, chr2:61,031,652, plus strand): 5'-TTTATGGAGGCTATAGTCCTTATAGTTATGGATATAATGGGCTGGGCTACAACCGCCTCC[G>A]TGTAGATGATCTTCCACCCAGTAGATTTGTTCAGCAAGCTGAAGAAAGCAGCAGGGGTGC-3'
Protein context (NP_002609.1, residues 99-119): GYNGLGYNRL[Arg109His]VDDLPPSRFV

ClinVar aggregate classification (germline): Uncertain significance (1 of 4 stars; one submission).

Conditions:
Peroxisome biogenesis disorder 11A (Zellweger). Also called: Peroxisome biogenesis disorder 11A. Identifiers: Orphanet 912, MedGen C3554000, MONDO:0013949, OMIM 614883.

Allele frequency attached by ClinVar (database versions not stated): gnomAD 0.00004; ESP Exome Variant Server 0.00008.

Submission:

Labcorp Genetics (formerly Invitae), Labcorp
Classification: Uncertain significance for Peroxisome biogenesis disorder 11A (Zellweger). Last evaluated: 2022-08-09. Review status: criteria provided, single submitter. Criteria: Invitae Variant Classification Sherloc (09022015). Collection method: clinical testing. Allele origin: germline.
Comment: This sequence change replaces arginine, which is basic and polar, with histidine, which is basic and polar, at codon 109 of the PEX13 protein (p.Arg109His). This variant is present in population databases (rs372193938, gnomAD 0.004%). This variant has not been reported in the literature in individuals affected with PEX13-related conditions. ClinVar contains an entry for this variant (Variation ID: 1517060). Algorithms developed to predict the effect of missense changes on protein structure and function (SIFT, PolyPhen-2, Align-GVGD) all suggest that this variant is likely to be tolerated. In summary, the available evidence is currently insufficient to determine the role of this variant in disease. Therefore, it has been classified as a Variant of Uncertain Significance.